The following is an entry in ClinVar:

ClinVar aggregate classification (germline): Pathogenic/Likely pathogenic. Review status: criteria provided, multiple submitters, no conflicts (2 of 4 stars). 3 submissions from 3 submitters: Pathogenic (2); Likely pathogenic (1). Last evaluated 2026-05-21.

Conditions:
Junctional epidermolysis bullosa with pyloric atresia. Also called: ITGB4-Related Epidermolysis Bullosa with Pyloric Atresia; APLASIA CUTIS CONGENITA WITH GASTROINTESTINAL ATRESIA; CARMI SYNDROME; EB-PA-ACC; Epidermolysis bullosa, junctional, with pyloric atresia and aplasia cutis congenita; Epidermolysis bullosa junctionalis with pyloric atresia. Identifiers: Orphanet 79403, MedGen C5676875, MONDO:0009183, OMIM 226730.
Epidermolysis bullosa, junctional 5A, intermediate. Also called: EPIDERMOLYSIS BULLOSA, JUNCTIONAL 5A, GENERALIZED INTERMEDIATE; EPIDERMOLYSIS BULLOSA, JUNCTIONAL 5A, NON-HERLITZ TYPE. Identifiers: MedGen C5676956, MONDO:0030768, OMIM 619816.

Allele frequency attached by ClinVar (database versions not stated): gnomAD exomes 0.00001; TOPMed 0.00001.

Submissions (3):

GeneDx
Classification: Likely pathogenic. Last evaluated: 2026-05-21. Review status: criteria provided, single submitter. Criteria: GeneDx Variant Classification Process June 2021. Collection method: clinical testing. Allele origin: germline.
Comment: Frameshift variant predicted to result in protein truncation or nonsense mediated decay in a gene for which loss of function is a known mechanism of disease; This variant is associated with the following publications: (PMID: 16473856, 36368308)

Fulgent Genetics
Classification: Pathogenic for Junctional epidermolysis bullosa with pyloric atresia; Epidermolysis bullosa, junctional 5A, intermediate. Last evaluated: 2024-02-15. Review status: criteria provided, single submitter. Criteria: ACMG Guidelines, 2015. Collection method: clinical testing. Allele origin: germline.

Labcorp Genetics (formerly Invitae), Labcorp
Classification: Pathogenic. Last evaluated: 2023-10-04. Review status: criteria provided, single submitter. Criteria: Invitae Variant Classification Sherloc (09022015). Collection method: clinical testing. Allele origin: germline.
Comment: This sequence change creates a premature translational stop signal (p.Thr295Ilefs*36) in the ITGB4 gene. It is expected to result in an absent or disrupted protein product. Loss-of-function variants in ITGB4 are known to be pathogenic (PMID: 11328943, 16473856). This variant is present in population databases (no rsID available, gnomAD 0.002%). This premature translational stop signal has been observed in individual(s) with epidermolysis bullosa with pyloric atresia (PMID: 16473856). ClinVar contains an entry for this variant (Variation ID: 2576774). For these reasons, this variant has been classified as Pathogenic.

Literature cited by the submitters: PubMed 11328943 (cited by Labcorp Genetics (formerly Invitae), Labcorp); PubMed 16473856 (cited by Labcorp Genetics (formerly Invitae), Labcorp).

NM_000213.5(ITGB4):c.884_885del (p.Thr295fs)

Gene: ITGB4 (integrin subunit beta 4; plus strand). Cytogenetic location: 17q25.1.
Variant type: Deletion.
Coding change: c.884_885del on transcript NM_000213.5 (MANE Select); coding-DNA positions 884 to 885, 2 bases deleted (CC; older notation c.884_885delCC).
Protein change: p.Thr295fs; shifts the reading frame from threonine 295.
Molecular consequence: frameshift variant.
Genome position (GRCh38, 1-based): chr17:75,730,386-75,730,387, CC deleted. VCF-style (leftmost placement, unchanged base first): chr17-75730385-ACC-A. GRCh37 (hg19) VCF-style: chr17-73726466-ACC-A.
Other names: c.884_885delCC, p.Thr295Ilefs (NM_001005619.2); c.884_885del, p.Thr295fs (NM_001005731.3, NM_001321123.2); short protein forms T295fs.
Identifiers: ClinVar variation 2576774 (VCV002576774.6), dbSNP rs1377620586, ClinGen allele CA502048131.